The following is an entry in ClinVar:

NM_133261.3(GIPC3):c.*533T>C

Gene: GIPC3 (GIPC PDZ domain containing family member 3; plus strand). Cytogenetic location: 19p13.3.
Variant type: single nucleotide variant.
Coding change: c.*533T>C on transcript NM_133261.3 (MANE Select); 533 bases downstream of the stop codon, T replaced by C.
Molecular consequence: 3 prime UTR variant.
Genome position (GRCh38, 1-based): chr19:3,590,723, T>C. VCF-style: chr19-3590723-T-C. GRCh37 (hg19) VCF-style: chr19-3590721-T-C.
Identifiers: ClinVar variation 1701349 (VCV001701349.31), dbSNP rs2032473483, ClinGen allele CA2318943372.

ClinVar aggregate classification (germline): Likely benign (1 of 4 stars; one submission).

Submission:

CeGaT Center for Human Genetics Tuebingen
Classification: Likely benign. Last evaluated: 2026-08-01. Review status: criteria provided, single submitter. Criteria: CeGaT Center For Human Genetics Tuebingen Variant Classification Criteria Version 2. Collection method: clinical testing. Allele origin: germline. Affected: yes. Observed: 3 variant alleles.
Comment: GIPC3: PM2:Supporting, BP4, BP7